The following is an entry in ClinVar:

NM_006017.3(PROM1):c.784+2T>C

Gene: PROM1 (prominin 1; minus strand). Cytogenetic location: 4p15.32.
Variant type: single nucleotide variant.
Coding change: c.784+2T>C on transcript NM_006017.3 (MANE Select); the canonical splice donor site of the intron after coding-DNA position 784, T replaced by C.
Molecular consequence: splice donor variant.
Genome position (GRCh38, 1-based): chr4:16,023,324, A>G on the plus strand (T>C on the coding strand, the complement: PROM1 is on the minus strand). VCF-style: chr4-16023324-A-G. GRCh37 (hg19) VCF-style: chr4-16024947-A-G.
Other names: c.757+2T>C (NM_001145848.2, NM_001145852.2, NM_001145847.2 and 4 more transcripts); c.784+2T>C (NM_001145850.2, NM_001145849.2).
Identifiers: ClinVar variation 1066615 (VCV001066615.8), dbSNP rs1578085426, ClinGen allele CA356422538.

ClinVar aggregate classification (germline): Pathogenic/Likely pathogenic. Review status: criteria provided, multiple submitters, no conflicts (2 of 4 stars). 2 submissions from 2 submitters: Pathogenic (1); Likely pathogenic (1). Last evaluated 2024-10-23.

Conditions:
PROM1-related disorder. Also called: PROM1-related disorders; PROM1-related condition.

Submissions (2):

Labcorp Genetics (formerly Invitae), Labcorp
Classification: Pathogenic. Last evaluated: 2024-10-23. Review status: criteria provided, single submitter. Criteria: Invitae Variant Classification Sherloc (09022015). Collection method: clinical testing. Allele origin: germline.
Comment: This sequence change affects a donor splice site in intron 7 of the PROM1 gene. It is expected to disrupt RNA splicing. Variants that disrupt the donor or acceptor splice site typically lead to a loss of protein function (PMID: 16199547), and loss-of-function variants in PROM1 are known to be pathogenic (PMID: 17605048, 19718270, 24154662, 25474345). This variant is not present in population databases (gnomAD no frequency). Disruption of this splice site has been observed in individuals with clinical features of autosomal recessive PROM1-related conditions (internal data). ClinVar contains an entry for this variant (Variation ID: 1066615). Algorithms developed to predict the effect of sequence changes on RNA splicing suggest that this variant may disrupt the consensus splice site. For these reasons, this variant has been classified as Pathogenic.

Blueprint Genetics
Classification: Likely pathogenic for PROM1-related disorders. Last evaluated: 2023-08-29. Review status: criteria provided, single submitter. Criteria: ACMG Guidelines, 2015. Collection method: clinical testing. Allele origin: germline. Affected: yes. Observed: 3 variant alleles.

Literature cited by the submitters: PubMed 16199547 (cited by Labcorp Genetics (formerly Invitae), Labcorp); PubMed 17605048 (cited by Labcorp Genetics (formerly Invitae), Labcorp); PubMed 19718270 (cited by Labcorp Genetics (formerly Invitae), Labcorp); PubMed 24154662 (cited by Labcorp Genetics (formerly Invitae), Labcorp); PubMed 25474345 (cited by Labcorp Genetics (formerly Invitae), Labcorp).